The following is an entry in ClinVar:

ClinVar aggregate classification (germline): Uncertain significance (1 of 4 stars; one submission).

Submission:

Women's Health and Genetics/Laboratory Corporation of America, LabCorp
Classification: Uncertain significance. Last evaluated: 2024-03-20. Review status: criteria provided, single submitter. Criteria: LabCorp Variant Classification Summary - May 2015. Collection method: clinical testing. Allele origin: germline.
Comment: Variant summary: APOB c.6917_6918delinsTC (p.Ser2306Phe) results in a non-conservative amino acid change in the encoded protein sequence. Two of three in-silico tools predict a damaging effect of the variant on protein function. The variant allele was found at a frequency of 1.2e-05 in 250972 control chromosomes (gnomAD). The available data on variant occurrences in the general population are insufficient to allow any conclusion about variant significance. c.6917_6918delinsTC has been reported in the literature in an individual affected with Familial Hypercholesterolemia (Guerin_2023). This report does not provide unequivocal conclusions about association of the variant with Familial Hypercholesterolemia. To our knowledge, no experimental evidence demonstrating an impact on protein function has been reported. The following publication has been ascertained in the context of this evaluation (PMID: 37607748). No submitters have cited clinical-significance assessments for this variant to ClinVar. Based on the evidence outlined above, the variant was classified as uncertain significance.

Literature cited by the submitters: PubMed 37607748.

NM_000384.3(APOB):c.6917_6918delinsTC (p.Ser2306Phe)

Gene: APOB (apolipoprotein B; minus strand). Cytogenetic location: 2p24.1.
Variant type: Indel.
Coding change: c.6917_6918delinsTC on transcript NM_000384.3 (MANE Select); coding-DNA positions 6917 to 6918, CA replaced by TC.
Protein change: p.Ser2306Phe; replaces serine 2306 with phenylalanine.
Molecular consequence: missense variant.
Genome position (GRCh38, 1-based): chr2:21,009,950-21,009,951, TG replaced by GA on the plus strand (CA replaced by TC on the coding strand, the reverse complement: APOB is on the minus strand). VCF-style: chr2-21009950-TG-GA. GRCh37 (hg19) VCF-style: chr2-21232822-TG-GA.
Other names: short protein forms S2306F.
Identifiers: ClinVar variation 3233850 (VCV003233850.2), dbSNP rs2465370353, ClinGen allele CA2825001054.
Genomic context (GRCh38, chr2:21,009,950, plus strand): 5'-CCCAATAAGATTTATAACAAAGTGTTTGACATGCTCAAGAATGTCATTTATTCTTTCAAA[TG>GA]AAATTGTAGTTCCCAATTGATCTAAAAGCACTCTAACATCAATAGCCTCAATGTGTTGTT-3'
Protein context (NP_000375.3, residues 2296-2316): VLLDQLGTTI[Ser2306Phe]FERINDILEH